The following is an entry in ClinVar:

ClinVar aggregate classification (germline): Conflicting classifications of pathogenicity. Review status: criteria provided, conflicting classifications (1 of 4 stars). 4 submissions from 4 submitters: Uncertain significance (1); Likely benign (2). 1 of the submissions does not count toward it. Last evaluated 2024-10-25.

Conditions:
GLI2-related disorder. Also called: GLI2-related disorders; GLI2-related condition.
Postaxial polydactyly-anterior pituitary anomalies-facial dysmorphism syndrome. Also called: Culler-Jones syndrome. Identifiers: Orphanet 420584, MedGen C4014479, MONDO:0014369, OMIM 615849.
Holoprosencephaly 9 (HPE9). Also called: HOLOPROSENCEPHALY WITH MICROPHTHALMIA AND FIRST BRANCHIAL ARCH ANOMALIES; PITUITARY ANOMALIES WITH HOLOPROSENCEPHALY-LIKE FEATURES. Identifiers: Orphanet 2162, MedGen C1835819, MONDO:0012563, OMIM 610829.

Allele frequency attached by ClinVar (database versions not stated): gnomAD 0.00003 and 0.00004; ExAC 0.00006; gnomAD exomes 0.00006; TOPMed 0.00008; 1000 Genomes Project 0.00040; 1000 Genomes Project 30x 0.00047.
gnomAD v4.1: 41 of 1,613,772 alleles (0.0025%); highest among the groups gnomAD compares: East Asian, 0.071%; no homozygotes.

Submissions (4):

Labcorp Genetics (formerly Invitae), Labcorp
Classification: Likely benign for Postaxial polydactyly-anterior pituitary anomalies-facial dysmorphism syndrome; Holoprosencephaly 9. Last evaluated: 2024-10-25. Review status: criteria provided, single submitter. Criteria: Invitae Variant Classification Sherloc (09022015). Collection method: clinical testing. Allele origin: germline.

GeneDx
Classification: Uncertain significance. Last evaluated: 2019-08-13. Review status: criteria provided, single submitter. Criteria: GeneDx Variant Classification Process June 2021. Collection method: clinical testing. Allele origin: germline. Affected: yes.
Comment: In silico analysis, which includes protein predictors and evolutionary conservation, supports a deleterious effect; This variant is associated with the following publications: (PMID: 31386309)

Illumina Laboratory Services, Illumina
Classification: Likely benign for Holoprosencephaly 9. Last evaluated: 2018-01-12. Review status: criteria provided, single submitter. Criteria: ICSL Variant Classification Criteria 13 December 2019. Collection method: clinical testing. Allele origin: germline.
Comment: This variant was observed in the ICSL laboratory as part of a predisposition screen in an ostensibly healthy population. It had not been previously curated by ICSL or reported in the Human Gene Mutation Database (HGMD: prior to June 1st, 2018), and was therefore a candidate for classification through an automated scoring system. Utilizing variant allele frequency, disease prevalence and penetrance estimates, and inheritance mode, an automated score was calculated to assess if this variant is too frequent to cause the disease. Based on the score and internal cut-off values, a variant classified as likely benign is not then subjected to further curation. The score for this variant resulted in a classification of likely benign for this disease.

PreventionGenetics, part of Exact Sciences
Classification: Likely benign for GLI2-related condition. Last evaluated: 2023-08-29. Review status: no assertion criteria provided. Collection method: clinical testing. Allele origin: germline. Not counted in ClinVar's aggregate classification.
Comment: This variant is classified as likely benign based on ACMG/AMP sequence variant interpretation guidelines (Richards et al. 2015 PMID: 25741868, with internal and published modifications).

NM_001374353.1(GLI2):c.4299G>T (p.Gln1433His)

Gene: GLI2 (GLI family zinc finger 2; plus strand). Cytogenetic location: 2q14.2.
Variant type: single nucleotide variant.
Coding change: c.4299G>T on transcript NM_001374353.1 (MANE Select); coding-DNA position 4299, G replaced by T.
Protein change: p.Gln1433His; replaces glutamine 1433 with histidine.
Molecular consequence: missense variant.
Genome position (GRCh38, 1-based): chr2:120,990,264, G>T. VCF-style: chr2-120990264-G-T. GRCh37 (hg19) VCF-style: chr2-121747840-G-T.
Other names: c.4350G>T, p.Gln1450His (NM_001371271.1, NM_005270.5); c.3924G>T, p.Gln1308His (NM_001374354.1); short protein forms Q1308H, Q1433H, Q1450H.
Identifiers: ClinVar variation 893753 (VCV000893753.11), dbSNP rs201523549, ClinGen allele CA1852605.
Genomic context (GRCh38, chr2:120,990,264, plus strand): 5'-GCCGCCTCCGCAGGACGCAGGTGGGGCCCCGGACCACAGCATGCTCTACTACTACGGCCA[G>T]ATCCACATGTACGAACAGGATGGAGGCCTGGAGAACCTCGGGAGCTGCCAGGTCATGCGG-3'
Protein context (NP_001361282.1, residues 1423-1443): PDHSMLYYYG[Gln1433His]IHMYEQDGGL